The following is an entry in ClinVar:

ClinVar aggregate classification (germline): Pathogenic/Likely pathogenic. Review status: criteria provided, multiple submitters, no conflicts (2 of 4 stars). 4 submissions from 4 submitters: Pathogenic (2); Likely pathogenic (1). 1 of the submissions does not count toward it. Last evaluated 2023-05-08.

Conditions:
Autosomal dominant optic atrophy classic form (OPA1). Also called: KJER-TYPE OPTIC ATROPHY; Optic Atrophy Type 1; OPTIC ATROPHY, JUVENILE. Identifiers: Orphanet 98673, MedGen C0338508, MONDO:0008134, OMIM 165500.
Optic atrophy. Identifiers: MedGen C0029124, MONDO:0003608, HP:0000648.

Submissions (4):

Institute of Human Genetics, University of Leipzig Medical Center
Classification: Pathogenic for Autosomal dominant optic atrophy classic form. Last evaluated: 2023-05-08. Review status: criteria provided, single submitter. Criteria: ACMG Guidelines, 2015. Collection method: clinical testing. Allele origin: unknown. Inheritance: Autosomal dominant inheritance. Affected: yes.
Comment: Criteria applied: PVS1,PS4_SUP,PM2_SUP

MGZ Medical Genetics Center
Classification: Likely pathogenic for Autosomal dominant optic atrophy classic form. Last evaluated: 2022-06-22. Review status: criteria provided, single submitter. Criteria: ACMG Guidelines, 2015. Collection method: clinical testing. Allele origin: germline. Affected: yes. Observed: 1 variant allele.
Comment: ACMG criteria applied: PVS1, PM2_SUP

CeGaT Center for Human Genetics Tuebingen
Classification: Pathogenic. Last evaluated: 2021-10-01. Review status: criteria provided, single submitter. Criteria: CeGaT Center For Human Genetics Tuebingen Variant Classification Criteria Version 2. Collection method: clinical testing. Allele origin: germline. Affected: yes. Observed: 2 variant alleles.

Institute of Human Genetics, Univ. Regensburg, Univ. Regensburg
Classification: Pathogenic for Optic atrophy. Last evaluated: 2011-01-01. Review status: no assertion criteria provided. Criteria: ACMG Guidelines, 2015. Collection method: clinical testing. Allele origin: germline. Affected: yes. Not counted in ClinVar's aggregate classification.

NM_130837.3(OPA1):c.1935+1G>C

Gene: OPA1 (OPA1 mitochondrial dynamin like GTPase; plus strand). Cytogenetic location: 3q29.
Variant type: single nucleotide variant.
Coding change: c.1935+1G>C on transcript NM_130837.3 (MANE Select); the canonical splice donor site of the intron after coding-DNA position 1935, G replaced by C.
Molecular consequence: splice donor variant.
Genome position (GRCh38, 1-based): chr3:193,648,135, G>C. VCF-style: chr3-193648135-G-C. GRCh37 (hg19) VCF-style: chr3-193365924-G-C.
Other names: c.1398+1G>C (NM_001354664.2); c.1401+1G>C (NM_001354663.2); c.1824+1G>C (NM_130834.3); c.1881+1G>C (NM_130836.3); c.1770+1G>C (NM_015560.3); c.1827+1G>C (NM_130835.3); c.1716+1G>C (NM_130832.3); c.1773+1G>C (NM_130833.3); and 1 more.
Identifiers: ClinVar variation 916192 (VCV000916192.43), dbSNP rs1711518217, ClinGen allele CA355790762.